The following is an entry in ClinVar:

NC_000007.14:g.(154772943_154794078)_(154894712_?)dup

Gene: DPP6 (dipeptidyl peptidase like 6; plus strand). Cytogenetic location: 7q36.2.
Variant type: Duplication.
Identifiers: ClinVar variation 2686005 (VCV002686005.2).

ClinVar aggregate classification (germline): Uncertain significance (1 of 4 stars; one submission).

Conditions:
Autism and apraxia.

Submission:

Foundation for Research in Genetics and Endocrinology, FRIGE's Institute of Human Genetics
Classification: Uncertain significance for Autism and apraxia. Review status: criteria provided, single submitter. Criteria: ACMG Guidelines, 2015. Collection method: clinical testing. Allele origin: germline. Affected: yes. Observed: 1 heterozygote.
Comment: A duplication of size ~98.40Kb on chromosome 7[chr7:g.(154772943_154794078)_(154894712_?)dup] encompassing DPP6 gene suggestive of a copy number variant was detected. The read depth of these targeted regios was found to be higher than usual (CNV ratio: 1.46; BF value:35.6). The results are likely to be suggestive of a heterozygous duplication. Contiguous duplication overlapping DPP6 gene have previously been reported in the literature (PMID: 27759917).